The following is an entry in ClinVar:

ClinVar aggregate classification (germline): Benign/Likely benign. Review status: criteria provided, multiple submitters, no conflicts (2 of 4 stars). 7 submissions from 7 submitters: Benign (2); Likely benign (2). 3 of the submissions do not count toward it. Last evaluated 2026-02-03.

Conditions:
EMC1-related disorder. Also called: EMC1-related condition.
Cerebellar atrophy, visual impairment, and psychomotor retardation;. Also called: Cerebellar atrophy, visual impairment, and psychomotor retardation. Identifiers: MedGen C4225172, MONDO:0014811, OMIM 616875.

Allele frequency attached by ClinVar (database versions not stated): 1000 Genomes Project 0.00359; 1000 Genomes Project 30x 0.00375; ExAC 0.00530; TOPMed 0.00537; gnomAD 0.00541 and 0.00555; gnomAD exomes 0.00552 and 0.00800; ESP Exome Variant Server 0.00600.
gnomAD v4.1: 12,458 of 1,613,994 alleles (0.77%); highest among the groups gnomAD compares: Non-Finnish European, 0.91%; 66 homozygotes.

Submissions (7):

Labcorp Genetics (formerly Invitae), Labcorp
Classification: Benign. Last evaluated: 2026-02-03. Review status: criteria provided, single submitter. Criteria: Invitae Variant Classification Sherloc (09022015). Collection method: clinical testing. Allele origin: germline.

CeGaT Center for Human Genetics Tuebingen
Classification: Likely benign. Last evaluated: 2026-02-01. Review status: criteria provided, single submitter. Criteria: CeGaT Center For Human Genetics Tuebingen Variant Classification Criteria Version 2. Collection method: clinical testing. Allele origin: germline. Affected: yes. Observed: 11 variant alleles.
Comment: EMC1: BP4, BP7, BS2

Fulgent Genetics
Classification: Likely benign for Cerebellar atrophy, visual impairment, and psychomotor retardation;. Last evaluated: 2021-09-02. Review status: criteria provided, single submitter. Criteria: ACMG Guidelines, 2015. Collection method: clinical testing. Allele origin: unknown.

Breakthrough Genomics
Classification: Benign. Review status: criteria provided, single submitter. Criteria: ACMG Guidelines, 2015. Collection method: not provided. Allele origin: germline. Inheritance: Autosomal recessive inheritance. Affected: yes.

PreventionGenetics, part of Exact Sciences
Classification: Benign for EMC1-related condition. Last evaluated: 2019-11-20. Review status: no assertion criteria provided. Collection method: clinical testing. Allele origin: germline. Not counted in ClinVar's aggregate classification.
Comment: This variant is classified as benign based on ACMG/AMP sequence variant interpretation guidelines (Richards et al. 2015 PMID: 25741868, with internal and published modifications).

Clinical Genetics DNA and cytogenetics Diagnostics Lab, Erasmus MC, Erasmus Medical Center
Classification: Benign. Review status: no assertion criteria provided. Collection method: clinical testing. Allele origin: germline. Affected: yes. Study: VKGL Data-share Consensus. Not counted in ClinVar's aggregate classification.

Clinical Genetics, Academic Medical Center
Classification: Benign. Review status: no assertion criteria provided. Collection method: clinical testing. Allele origin: germline. Affected: yes. Study: VKGL Data-share Consensus. Not counted in ClinVar's aggregate classification.

NM_015047.3(EMC1):c.2886C>T (p.Tyr962=)

Genes: EMC1 (ER membrane protein complex subunit 1; minus strand), EMC1-AS1 (EMC1 antisense RNA 1; plus strand). Cytogenetic location: 1p36.13.
Variant type: single nucleotide variant.
Coding change: c.2886C>T on transcript NM_015047.3 (MANE Select); coding-DNA position 2886, C replaced by T.
Protein change: p.Tyr962=; no amino-acid change (tyrosine 962 retained).
Molecular consequence: synonymous variant.
Genome position (GRCh38, 1-based): chr1:19,219,399, G>A on the plus strand (C>T on the coding strand, the complement: EMC1 is on the minus strand). VCF-style: chr1-19219399-G-A. GRCh37 (hg19) VCF-style: chr1-19545893-G-A.
Other names: c.2883C>T, p.Tyr961= (NM_001271427.2, NM_001271428.2); c.2820C>T, p.Tyr940= (NM_001271429.2); c.2895C>T, p.Tyr965= (NM_001375820.1); c.2892C>T, p.Tyr964= (NM_001375821.1).
Identifiers: ClinVar variation 774792 (VCV000774792.39), dbSNP rs34350799, ClinGen allele CA652121.
Genomic context (GRCh38, chr1:19,219,399, plus strand): 5'-CAGTCTCTTAGTGATCATGGTGGCAAAAACCAGGCCAAAGAGGACGCTGCTGATTAACAC[G>A]TAGTCATAGTCATCCTTCAGAACGTCAAACTGCTTGGATGGGTAGACTCGAGTTTGGTAA-3'
Protein context (NP_055862.1, residues 952-972): QFDVLKDDYD[Tyr962=]VLISSVLFGL